The following is an entry in ClinVar:

ClinVar aggregate classification (germline): Uncertain significance (1 of 4 stars; one submission).

Conditions:
Hereditary cancer-predisposing syndrome. Also called: Neoplastic Syndromes, Hereditary; Tumor predisposition; Hereditary Cancer Syndrome; Hereditary neoplastic syndrome. Identifiers: Orphanet 140162, MedGen C0027672, MeSH D009386, MONDO:0015356.

Submission:

Ambry Genetics
Classification: Uncertain significance for Hereditary cancer-predisposing syndrome. Last evaluated: 2025-10-07. Review status: criteria provided, single submitter. Criteria: Ambry Variant Classification Scheme 2023. Collection method: clinical testing. Allele origin: germline.
Comment: The p.I332M variant (also known as c.996A>G), located in coding exon 8 of the MRE11A gene, results from an A to G substitution at nucleotide position 996. The isoleucine at codon 332 is replaced by methionine, an amino acid with highly similar properties. This amino acid position is conserved. In addition, the in silico prediction for this alteration is inconclusive. Based on the available evidence, the clinical significance of this variant remains unclear.

NM_005591.4(MRE11):c.996A>G (p.Ile332Met)

Gene: MRE11 (MRE11 double strand break repair nuclease; minus strand). Cytogenetic location: 11q21.
Variant type: single nucleotide variant.
Coding change: c.996A>G on transcript NM_005591.4 (MANE Select); coding-DNA position 996, A replaced by G.
Protein change: p.Ile332Met; replaces isoleucine 332 with methionine.
Molecular consequence: missense variant.
Genome position (GRCh38, 1-based): chr11:94,470,492, T>C on the plus strand (A>G on the coding strand, the complement: MRE11 is on the minus strand). VCF-style: chr11-94470492-T-C. GRCh37 (hg19) VCF-style: chr11-94203658-T-C.
Other names: c.996A>G, p.Ile332Met (NM_001330347.2, NM_001440460.1, NM_001440461.1 and 18 more transcripts); c.921A>G, p.Ile307Met (NM_001440471.1, NM_001440472.1, NM_001440479.1); c.651A>G, p.Ile217Met (NM_001440482.1, NM_001440483.1, NM_001440484.1); c.528A>G, p.Ile176Met (NM_001440485.1, NM_001440486.1, NM_001440487.1); short protein forms I307M, I332M, I217M, I176M.
Identifiers: ClinVar variation 4651043 (VCV004651043.1).